The following is an entry in ClinVar:

NM_001164508.2(NEB):c.22272+2_22272+3del

Genes: NEB (nebulin; minus strand), RIF1 (replication timing regulatory factor 1; plus strand). Cytogenetic location: 2q23.3.
Variant type: Deletion.
Coding change: c.22272+2_22272+3del on transcript NM_001164508.2 (MANE Select); the canonical splice donor site of the intron after coding-DNA position 22272 through 3 bases into the intron after coding-DNA position 22272, 2 bases deleted (TA; older notation c.22272+2_22272+3delTA).
Molecular consequence: splice donor variant.
Genome position (GRCh38, 1-based): chr2:151,525,160-151,525,161, TA deleted on the plus strand (TA on the coding strand, the reverse complement: NEB is on the minus strand). VCF-style (leftmost placement, unchanged base first): chr2-151525159-TTA-T. GRCh37 (hg19) VCF-style: chr2-152381673-TTA-T.
Other names: c.17169+2_17169+3del (NM_004543.5); c.22272+2_22272+3del (NM_001164507.2); c.22377+2_22377+3del (NM_001271208.2, NM_001271208.1).
Identifiers: ClinVar variation 1489467 (VCV001489467.7), dbSNP rs2153447342, ClinGen allele CA2573133336.

ClinVar aggregate classification (germline): Likely pathogenic. Review status: criteria provided, multiple submitters, no conflicts (2 of 4 stars). 2 submissions from 2 submitters: Likely pathogenic (2). Last evaluated 2023-10-18.

Conditions:
Nemaline myopathy 2 (NEM2). Also called: Nemaline myopathy 2, autosomal recessive. Identifiers: MedGen C1850569, MONDO:0009725, OMIM 256030.
Arthrogryposis multiplex congenita 6. Identifiers: MedGen C5543431, MONDO:0030281, OMIM 619334.

Submissions (2):

Baylor Genetics
Classification: Likely pathogenic for Arthrogryposis multiplex congenita 6. Last evaluated: 2023-10-18. Review status: criteria provided, single submitter. Criteria: ACMG Guidelines, 2015. Collection method: clinical testing. Allele origin: unknown.

Labcorp Genetics (formerly Invitae), Labcorp
Classification: Likely pathogenic for Nemaline myopathy 2. Last evaluated: 2022-06-22. Review status: criteria provided, single submitter. Criteria: Invitae Variant Classification Sherloc (09022015). Collection method: clinical testing. Allele origin: germline.
Comment: This variant has not been reported in the literature in individuals affected with NEB-related conditions. In summary, the currently available evidence indicates that the variant is pathogenic, but additional data are needed to prove that conclusively. Therefore, this variant has been classified as Likely Pathogenic. Algorithms developed to predict the effect of sequence changes on RNA splicing suggest that this variant may disrupt the consensus splice site. This variant is not present in population databases (gnomAD no frequency). This sequence change affects a splice site in intron 152 of the NEB gene. It is expected to disrupt RNA splicing. Variants that disrupt the donor or acceptor splice site typically lead to a loss of protein function (PMID: 16199547), and loss-of-function variants in NEB are known to be pathogenic (PMID: 25205138).

Literature cited by the submitters: PubMed 16199547 (cited by Labcorp Genetics (formerly Invitae), Labcorp); PubMed 25205138 (cited by Labcorp Genetics (formerly Invitae), Labcorp).